The following is an entry in ClinVar:

NM_001385012.1(NBEA):c.1889T>A (p.Ile630Asn)

Gene: NBEA (neurobeachin; plus strand). Cytogenetic location: 13q13.3.
Variant type: single nucleotide variant.
Coding change: c.1889T>A on transcript NM_001385012.1 (MANE Select); coding-DNA position 1889, T replaced by A.
Protein change: p.Ile630Asn; replaces isoleucine 630 with asparagine.
Molecular consequence: missense variant.
Genome position (GRCh38, 1-based): chr13:35,110,865, T>A. VCF-style: chr13-35110865-T-A. GRCh37 (hg19) VCF-style: chr13-35685002-T-A.
Other names: c.1889T>A, p.Ile630Asn (NM_001379245.1, NM_015678.5); short protein forms I630N.
Identifiers: ClinVar variation 3360016 (VCV003360016.1).

ClinVar aggregate classification (germline): Uncertain significance (1 of 4 stars; one submission).

Submission:

GeneDx
Classification: Uncertain significance. Last evaluated: 2023-06-16. Review status: criteria provided, single submitter. Criteria: GeneDx Variant Classification Process June 2021. Collection method: clinical testing. Allele origin: germline. Affected: yes.
Comment: Not observed at significant frequency in large population cohorts (gnomAD); In silico analysis supports that this missense variant has a deleterious effect on protein structure/function; Has not been previously published as pathogenic or benign to our knowledge